The following is an entry in ClinVar:

NM_177559.3(CSNK2A1):c.746T>C (p.Leu249Pro)

Gene: CSNK2A1 (casein kinase 2 alpha 1; minus strand). Cytogenetic location: 20p13.
Variant type: single nucleotide variant.
Coding change: c.746T>C on transcript NM_177559.3 (MANE Select); coding-DNA position 746, T replaced by C.
Protein change: p.Leu249Pro; replaces leucine 249 with proline.
Molecular consequence: missense variant.
Genome position (GRCh38, 1-based): chr20:488,756, A>G on the plus strand (T>C on the coding strand, the complement: CSNK2A1 is on the minus strand). VCF-style: chr20-488756-A-G. GRCh37 (hg19) VCF-style: chr20-469400-A-G.
Other names: c.746T>C, p.Leu249Pro (NM_001362770.2, NM_001362771.2, NM_001895.4); c.338T>C, p.Leu113Pro (NM_177560.3); short protein forms L113P, L249P.
Identifiers: ClinVar variation 2498048 (VCV002498048.1), dbSNP rs2122509911, ClinGen allele CA407926892.

ClinVar aggregate classification (germline): Uncertain significance (1 of 4 stars; one submission).

Submission:

GeneDx
Classification: Uncertain significance. Last evaluated: 2022-10-04. Review status: criteria provided, single submitter. Criteria: GeneDx Variant Classification Process June 2021. Collection method: clinical testing. Allele origin: germline. Affected: yes.
Comment: Not observed at significant frequency in large population cohorts (gnomAD); In silico analysis supports that this missense variant has a deleterious effect on protein structure/function; Has not been previously published as pathogenic or benign to our knowledge